The following is an entry in ClinVar:

NM_182493.3(MYLK3):c.1568+1G>T

Gene: MYLK3 (myosin light chain kinase 3; minus strand). Cytogenetic location: 16q11.2.
Variant type: single nucleotide variant.
Coding change: c.1568+1G>T on transcript NM_182493.3 (MANE Select); the canonical splice donor site of the intron after coding-DNA position 1568, G replaced by T.
Molecular consequence: splice donor variant.
Genome position (GRCh38, 1-based): chr16:46,730,592, C>A on the plus strand (G>T on the coding strand, the complement: MYLK3 is on the minus strand). VCF-style: chr16-46730592-C-A. GRCh37 (hg19) VCF-style: chr16-46764504-C-A.
Other names: c.545+1G>T (NM_001308301.1).
Identifiers: ClinVar variation 3010861 (VCV003010861.3), dbSNP rs2548905126, ClinGen allele CA395791579.
Genomic context (GRCh38, chr16:46,730,592, plus strand): 5'-TCCCGACCCTGCCCCGTGACTCCTGCTCTAAGCCCCCCAACCAAGGCAGATGCCCACCTA[C>A]CCTCCCAAGACTTCGTGCTGGCACACCTCGTAACCCGCAGAGATGGAGGTCTCCTTGACG-3'

ClinVar aggregate classification (germline): Uncertain significance (1 of 4 stars; one submission).

Allele frequency attached by ClinVar (database versions not stated): gnomAD exomes below 0.00001.
gnomAD v4.1: 2 of 1,613,698 alleles (0.00012%); highest among the groups gnomAD compares: Non-Finnish European, 0.00017%; no homozygotes.

Submission:

Labcorp Genetics (formerly Invitae), Labcorp
Classification: Uncertain significance. Last evaluated: 2024-02-23. Review status: criteria provided, single submitter. Criteria: Invitae Variant Classification Sherloc (09022015). Collection method: clinical testing. Allele origin: germline.
Comment: This sequence change affects a donor splice site in intron 5 of the MYLK3 gene. It is expected to disrupt RNA splicing. Variants that disrupt the donor or acceptor splice site typically lead to a loss of protein function (PMID: 16199547), however the current clinical and genetic evidence is not sufficient to establish whether loss-of-function variants in MYLK3 cause disease. This variant is not present in population databases (gnomAD no frequency). This variant has not been reported in the literature in individuals affected with MYLK3-related conditions. Algorithms developed to predict the effect of sequence changes on RNA splicing suggest that this variant may disrupt the consensus splice site. In summary, the available evidence is currently insufficient to determine the role of this variant in disease. Therefore, it has been classified as a Variant of Uncertain Significance.

Literature cited by the submitters: PubMed 16199547.